The following is an entry in ClinVar:

NM_001083116.3(PRF1):c.311G>A (p.Arg104His)

Gene: PRF1 (perforin 1; minus strand). Cytogenetic location: 10q22.1.
Variant type: single nucleotide variant.
Coding change: c.311G>A on transcript NM_001083116.3 (MANE Select); coding-DNA position 311, G replaced by A.
Protein change: p.Arg104His; replaces arginine 104 with histidine.
Molecular consequence: missense variant.
Genome position (GRCh38, 1-based): chr10:70,600,592, C>T on the plus strand (G>A on the coding strand, the complement: PRF1 is on the minus strand). VCF-style: chr10-70600592-C-T. GRCh37 (hg19) VCF-style: chr10-72360348-C-T.
Other names: c.311G>A, p.Arg104His (NM_005041.6); short protein forms R104H.
Identifiers: ClinVar variation 436417 (VCV000436417.12), dbSNP rs139225004, ClinGen allele CA5539077.

ClinVar aggregate classification (germline): Uncertain significance. Review status: criteria provided, multiple submitters, no conflicts (2 of 4 stars). 4 submissions from 4 submitters: Uncertain significance (4). Last evaluated 2026-03-26.

Conditions:
PRF1-related disorder. Also called: PRF1-related condition.
Familial hemophagocytic lymphohistiocytosis 2 (FHL2). Also called: PRF1-Related Familial Hemophagocytic Lymphohistiocytosis (PRF1-fHLH). Identifiers: Orphanet 540, MedGen C1863727, MONDO:0011337, OMIM 603553.

Allele frequency attached by ClinVar (database versions not stated): gnomAD below 0.00001 and 0.00001; TOPMed 0.00001; gnomAD exomes 0.00002; ExAC 0.00003; ESP Exome Variant Server 0.00008.

Submissions (4):

PreventionGenetics, part of Exact Sciences
Classification: Uncertain significance for PRF1-related condition. Last evaluated: 2026-03-26. Review status: criteria provided, single submitter. Criteria: ACMG Guidelines, 2015. Collection method: clinical testing. Allele origin: germline.
Comment: The PRF1 c.311G>A variant is predicted to result in the amino acid substitution p.Arg104His. To our knowledge, this variant has not been reported in the literature. An alternate nucleotide substitution at the same amino acid position (c.310C>T, p.Arg104Cys) has been reported in an individual with late onset primary hemophagocytic lymphohistiocytosis (Stadermann et al. 2024. PubMed ID: 38474010). The variant c.311G>A is reported in 0.016% of alleles in individuals of East Asian descent in gnomAD. At this time, the clinical significance of this variant is uncertain due to the absence of conclusive functional and genetic evidence.

Blueprint Genetics
Classification: Uncertain significance. Last evaluated: 2022-06-25. Review status: criteria provided, single submitter. Criteria: ACMG Guidelines, 2015. Collection method: clinical testing. Allele origin: germline.

Labcorp Genetics (formerly Invitae), Labcorp
Classification: Uncertain significance for Familial hemophagocytic lymphohistiocytosis 2. Last evaluated: 2022-02-28. Review status: criteria provided, single submitter. Criteria: Invitae Variant Classification Sherloc (09022015). Collection method: clinical testing. Allele origin: germline.
Comment: This sequence change replaces arginine, which is basic and polar, with histidine, which is basic and polar, at codon 104 of the PRF1 protein (p.Arg104His). This variant is present in population databases (rs139225004, gnomAD 0.02%). This variant has not been reported in the literature in individuals affected with PRF1-related conditions. ClinVar contains an entry for this variant (Variation ID: 436417). Algorithms developed to predict the effect of missense changes on protein structure and function output the following: SIFT: "Tolerated"; PolyPhen-2: "Benign"; Align-GVGD: "Class C0". The histidine amino acid residue is found in multiple mammalian species, which suggests that this missense change does not adversely affect protein function. In summary, the available evidence is currently insufficient to determine the role of this variant in disease. Therefore, it has been classified as a Variant of Uncertain Significance.

Genetic Services Laboratory, University of Chicago
Classification: Uncertain significance. Last evaluated: 2017-01-09. Review status: criteria provided, single submitter. Criteria: ACMG Guidelines, 2015. Collection method: clinical testing. Allele origin: germline. Affected: no.